The following is an entry in ClinVar:

NM_000138.5(FBN1):c.4120T>C (p.Cys1374Arg)

Gene: FBN1 (fibrillin 1; minus strand). Cytogenetic location: 15q21.1.
Variant type: single nucleotide variant.
Coding change: c.4120T>C on transcript NM_000138.5 (MANE Select); coding-DNA position 4120, T replaced by C.
Protein change: p.Cys1374Arg; replaces cysteine 1374 with arginine.
Molecular consequence: missense variant.
Genome position (GRCh38, 1-based): chr15:48,474,345, A>G on the plus strand (T>C on the coding strand, the complement: FBN1 is on the minus strand). VCF-style: chr15-48474345-A-G. GRCh37 (hg19) VCF-style: chr15-48766542-A-G.
Other names: c.4120T>C, p.Cys1374Arg (NM_001406716.1); short protein forms C1374R.
Identifiers: ClinVar variation 1325418 (VCV001325418.2), dbSNP rs2141279837, ClinGen allele CA392320312.

ClinVar aggregate classification (germline): Pathogenic (1 of 4 stars; one submission).

Conditions:
Marfan syndrome (MFS). Also called: Marfan syndrome type 1; Marfan's syndrome; FBN1-Related Marfan Syndrome; MARFAN SYNDROME, TYPE I; Marfan syndrome, classic. Identifiers: Orphanet 284963, Orphanet 558, MedGen C0024796, MONDO:0007947, OMIM 154700.

Submission:

Centre of Medical Genetics, University of Antwerp
Classification: Pathogenic for Marfan syndrome. Last evaluated: 2021-03-01. Review status: criteria provided, single submitter. Criteria: Submitter's publication. Collection method: research. Allele origin: unknown. Affected: yes.
Comment: PM2, PVS2, PP4